The following is an entry in ClinVar:

NM_000384.3(APOB):c.1357C>G (p.His453Asp)

Gene: APOB (apolipoprotein B; minus strand). Cytogenetic location: 2p24.1.
Variant type: single nucleotide variant.
Coding change: c.1357C>G on transcript NM_000384.3 (MANE Select); coding-DNA position 1357, C replaced by G.
Protein change: p.His453Asp; replaces histidine 453 with aspartic acid.
Molecular consequence: missense variant.
Genome position (GRCh38, 1-based): chr2:21,030,011, G>C on the plus strand (C>G on the coding strand, the complement: APOB is on the minus strand). VCF-style: chr2-21030011-G-C. GRCh37 (hg19) VCF-style: chr2-21252883-G-C.
Other names: short protein forms H453D.
Identifiers: ClinVar variation 923527 (VCV000923527.9), dbSNP rs753380675, ClinGen allele CA053264.
Genomic context (GRCh38, chr2:21,030,011, plus strand): 5'-GTTCCATCAGGTAATTAGCAATGTCCAGCAGCTCCTGGGTCCCTGTAGGGTTTGTCTTAT[G>C]ATAGCTACAGAATAAGAGAAGAGAGTCAGGACTTGGTAACCCCAGTTAGGTTTGTCTTAA-3'
Protein context (NP_000375.3, residues 443-463): YALSHAVNNY[His453Asp]KTNPTGTQEL

ClinVar aggregate classification (germline): Conflicting classifications of pathogenicity. Review status: criteria provided, conflicting classifications (1 of 4 stars). 2 submissions from 2 submitters: Uncertain significance (1); Likely benign (1). Last evaluated 2025-11-08.

Conditions:
Cardiovascular phenotype. Identifiers: MedGen CN230736.
Familial hypobetalipoproteinemia 1. Also called: Hypobetalipoproteinemia, normotriglyceridemic; Acanthocytosis with hypobetalipoproteinemia; APOB-Related Familial Hypobetalipoproteinemia. Identifiers: MedGen C4551990, MONDO:0014252, OMIM 615558.
Hypercholesterolemia, autosomal dominant, type B (FHCL2). Also called: Familial Hypercholesterolemia Type B; HYPERCHOLESTEROLEMIA, FAMILIAL, DUE TO LIGAND-DEFECTIVE APOLIPOPROTEIN B; Familial hypercholesterolemia 2; APOB-Related Familial Hypercholesterolemia, Autosomal Dominant; APOLIPOPROTEIN B-100, FAMILIAL DEFECTIVE; APOLIPOPROTEIN B-100, FAMILIAL LIGAND-DEFECTIVE. Identifiers: MedGen C1704417, MONDO:0007751, OMIM 144010.

Allele frequency attached by ClinVar (database versions not stated): gnomAD 0.00001; TOPMed 0.00001; ExAC 0.00002; gnomAD exomes 0.00002 and 0.00005.
gnomAD v4.1: 73 of 1,588,874 alleles (0.0046%); highest among the groups gnomAD compares: Non-Finnish European, 0.006%; no homozygotes.

Submissions (2):

Labcorp Genetics (formerly Invitae), Labcorp
Classification: Likely benign for Familial hypobetalipoproteinemia 1; Hypercholesterolemia, autosomal dominant, type B. Last evaluated: 2025-11-08. Review status: criteria provided, single submitter. Criteria: Invitae Variant Classification Sherloc (09022015). Collection method: clinical testing. Allele origin: germline.

Ambry Genetics
Classification: Uncertain significance for Cardiovascular phenotype. Last evaluated: 2025-05-02. Review status: criteria provided, single submitter. Criteria: Ambry Variant Classification Scheme 2023. Collection method: clinical testing. Allele origin: germline.
Comment: The p.H453D variant (also known as c.1357C>G), located in coding exon 11 of the APOB gene, results from a C to G substitution at nucleotide position 1357. The histidine at codon 453 is replaced by aspartic acid, an amino acid with similar properties. This amino acid position is conserved. In addition, this alteration is predicted to be tolerated by in silico analysis. Since supporting evidence is limited at this time, the clinical significance of this alteration remains unclear.